The following is an entry in ClinVar:

NM_007103.4(NDUFV1):c.1355G>C (p.Arg452Pro)

Genes: NDUFV1 (NADH:ubiquinone oxidoreductase core subunit V1; plus strand), LOC126861242 (CDK7 strongly-dependent group 2 enhancer GRCh37_chr11:67379204-67380403; plus strand). Cytogenetic location: 11q13.2.
Variant type: single nucleotide variant.
Coding change: c.1355G>C on transcript NM_007103.4 (MANE Select); coding-DNA position 1355, G replaced by C.
Protein change: p.Arg452Pro; replaces arginine 452 with proline.
Molecular consequence: missense variant.
Genome position (GRCh38, 1-based): chr11:67,612,418, G>C. VCF-style: chr11-67612418-G-C. GRCh37 (hg19) VCF-style: chr11-67379889-G-C.
Other names: p.R452P:CGG>CCG; c.1328G>C, p.Arg443Pro (NM_001166102.2); short protein forms R452P, R443P.
Identifiers: ClinVar variation 214845 (VCV000214845.1), dbSNP rs368184231, ClinGen allele CA324255.

ClinVar aggregate classification (germline): Likely benign (1 of 4 stars; one submission).

gnomAD v4.1: 2 of 1,612,548 alleles (0.00012%); highest among the groups gnomAD compares: Admixed American, 0.0017%; no homozygotes.

Submission:

GeneDx
Classification: Likely benign. Last evaluated: 2013-01-16. Review status: criteria provided, single submitter. Criteria: GeneDx Variant Classification (06012015). Collection method: clinical testing. Allele origin: germline. Affected: yes.
Comment: This variant is considered likely benign or benign based on one or more of the following criteria: it is a conservative change, it occurs at a poorly conserved position in the protein, it is predicted to be benign by multiple in silico algorithms, and/or has population frequency not consistent with disease.